The following is an entry in ClinVar:

ClinVar aggregate classification (germline): Uncertain significance (1 of 4 stars; one submission).

gnomAD v4.1: 52 of 1,612,690 alleles (0.0032%); highest among the groups gnomAD compares: South Asian, 0.032%; no homozygotes.

Submission:

GeneDx
Classification: Uncertain significance. Last evaluated: 2025-08-13. Review status: criteria provided, single submitter. Criteria: GeneDx Variant Classification Process June 2021. Collection method: clinical testing. Allele origin: germline. Affected: yes.
Comment: Located in a regulatory region; in the absence of functional studies, the actual effect of this sequence change is unknown; Nucleotide is not conserved across species and the substitution has no predicted effect on splicing; This variant is associated with the following publications: (PMID: 38184646)

NM_015102.5(NPHP4):c.-21C>T

Gene: NPHP4 (nephrocystin 4; minus strand). Cytogenetic location: 1p36.31.
Variant type: single nucleotide variant.
Coding change: c.-21C>T on transcript NM_015102.5 (MANE Select); 21 bases upstream of the start codon, C replaced by T.
Molecular consequence: 5 prime UTR variant. On other transcripts: non-coding transcript variant (1), intron variant (1).
Genome position (GRCh38, 1-based): chr1:5,986,310, G>A on the plus strand (C>T on the coding strand, the complement: NPHP4 is on the minus strand). VCF-style: chr1-5986310-G-A. GRCh37 (hg19) VCF-style: chr1-6046370-G-A.
Other names: c.-1250C>T (NM_001291593.2); c.-1088+5934C>T (NM_001291594.2).
Identifiers: ClinVar variation 4795462 (VCV004795462.1).
Genomic context (GRCh38, chr1:5,986,310, plus strand): 5'-CAAGCACGTTTTGGGTGAAGATCCTGTGCCAGTCGTTCATCCTGCCCGCCTGAGGGTCCC[G>A]TGGGCTTCCCGGATGATCTGTGCCAGTCGTATTCAAATAAAGAGAAGAGCTGTGAGGGCT-3'